The following is an entry in ClinVar:

ClinVar aggregate classification (germline): Pathogenic (1 of 4 stars; one submission).

Allele frequency attached by ClinVar (database versions not stated): ExAC 0.00001; gnomAD 0.00002; TOPMed 0.00002.
gnomAD v4.1: 11 of 1,594,388 alleles (0.00069%); highest among the groups gnomAD compares: Admixed American, 0.0069%; no homozygotes.

Submission:

Labcorp Genetics (formerly Invitae), Labcorp
Classification: Pathogenic. Last evaluated: 2024-04-17. Review status: criteria provided, single submitter. Criteria: Invitae Variant Classification Sherloc (09022015). Collection method: clinical testing. Allele origin: germline.
Comment: This sequence change creates a premature translational stop signal (p.Arg372*) in the VPS13C gene. It is expected to result in an absent or disrupted protein product. Loss-of-function variants in VPS13C are known to be pathogenic (PMID: 26942284, 34875562). The frequency data for this variant in the population databases is considered unreliable, as metrics indicate poor data quality at this position in the gnomAD database. This premature translational stop signal has been observed in individual(s) with clinical features of Parkinson disease (Invitae). ClinVar contains an entry for this variant (Variation ID: 1937487). For these reasons, this variant has been classified as Pathogenic.

Literature cited by the submitters: PubMed 26942284; PubMed 34875562.

NM_020821.3(VPS13C):c.1114C>T (p.Arg372Ter)

Gene: VPS13C (vacuolar protein sorting 13 homolog C; minus strand). Cytogenetic location: 15q22.2.
Variant type: single nucleotide variant.
Coding change: c.1114C>T on transcript NM_020821.3 (MANE Select); coding-DNA position 1114, C replaced by T.
Protein change: p.Arg372Ter; replaces arginine 372 with a stop codon.
Molecular consequence: nonsense.
Genome position (GRCh38, 1-based): chr15:62,008,659, G>A on the plus strand (C>T on the coding strand, the complement: VPS13C is on the minus strand). VCF-style: chr15-62008659-G-A. GRCh37 (hg19) VCF-style: chr15-62300858-G-A.
Other names: c.1114C>T, p.Arg372Ter (NM_001018088.3); c.985C>T, p.Arg329Ter (NM_017684.5, NM_018080.4); short protein forms R329*, R372*.
Identifiers: ClinVar variation 1937487 (VCV001937487.5), dbSNP rs767007361, ClinGen allele CA7597215.